The following is an entry in ClinVar:

ClinVar aggregate classification (germline): Uncertain significance (1 of 4 stars; one submission).

Allele frequency attached by ClinVar (database versions not stated): gnomAD exomes below 0.00001; ExAC 0.00002; gnomAD 0.00002; ESP Exome Variant Server 0.00008.
gnomAD v4.1: 10 of 1,601,982 alleles (0.00062%); highest among the groups gnomAD compares: Non-Finnish European, 0.00077%; no homozygotes.

Submission:

Labcorp Genetics (formerly Invitae), Labcorp
Classification: Uncertain significance. Last evaluated: 2022-01-13. Review status: criteria provided, single submitter. Criteria: Invitae Variant Classification Sherloc (09022015). Collection method: clinical testing. Allele origin: germline.
Comment: In summary, the available evidence is currently insufficient to determine the role of this variant in disease. Therefore, it has been classified as a Variant of Uncertain Significance. Variants that disrupt the consensus splice site are a relatively common cause of aberrant splicing (PMID: 17576681, 9536098). Experimental studies and prediction algorithms are not available or were not evaluated, and the effect of this variant on mRNA splicing is currently unknown. This variant has not been reported in the literature in individuals affected with CTSB-related conditions. This variant is present in population databases (rs370021379, gnomAD 0.002%). This sequence change falls in intron 4 of the CTSB gene. It does not directly change the encoded amino acid sequence of the CTSB protein. It affects a nucleotide within the consensus splice site.

Literature cited by the submitters: PubMed 17576681; PubMed 9536098.

NM_001908.5(CTSB):c.327+6G>A

Gene: CTSB (cathepsin B). Cytogenetic location: 8p23.1.
Variant type: single nucleotide variant.
Coding change: c.327+6G>A on transcript NM_001908.5 (MANE Select); 6 bases into the intron after coding-DNA position 327, G replaced by A.
Molecular consequence: intron variant.
Genome position (GRCh38, 1-based): chr8:11,850,860, C>T on the plus strand (G>A on the coding strand, the complement: CTSB is on the minus strand). VCF-style: chr8-11850860-C-T. GRCh37 (hg19) VCF-style: chr8-11708369-C-T.
Other names: c.327+6G>A (NM_001384728.1, NM_147783.4, NM_147781.4 and 8 more transcripts); c.74+6G>A (NM_001317237.2).
Identifiers: ClinVar variation 2188033 (VCV002188033.4), dbSNP rs370021379, ClinGen allele CA4633035.